The following is an entry in ClinVar:

NM_004415.4(DSP):c.202C>T (p.Gln68Ter)

Gene: DSP (desmoplakin; plus strand). Cytogenetic location: 6p24.3.
Variant type: single nucleotide variant.
Coding change: c.202C>T on transcript NM_004415.4 (MANE Select); coding-DNA position 202, C replaced by T.
Protein change: p.Gln68Ter; replaces glutamine 68 with a stop codon.
Molecular consequence: nonsense.
Genome position (GRCh38, 1-based): chr6:7,555,749, C>T. VCF-style: chr6-7555749-C-T. GRCh37 (hg19) VCF-style: chr6-7555982-C-T.
Other names: c.202C>T, p.Gln68Ter (NM_001008844.3, NM_001319034.2, NM_001406591.1); short protein forms Q68*.
Identifiers: ClinVar variation 3074239 (VCV003074239.3), dbSNP rs2533842147, ClinGen allele CA362670701.

ClinVar aggregate classification (germline): Pathogenic/Likely pathogenic. Review status: criteria provided, multiple submitters, no conflicts (2 of 4 stars). 2 submissions from 2 submitters: Pathogenic (1); Likely pathogenic (1). Last evaluated 2024-08-06.

Conditions:
Arrhythmogenic right ventricular dysplasia 8 (ARVD8). Also called: ARRHYTHMOGENIC RIGHT VENTRICULAR DYSPLASIA, FAMILIAL, 8; ARRHYTHMOGENIC RIGHT VENTRICULAR CARDIOMYOPATHY 8; Arrhythmogenic Right Ventricular Dysplasia/Cardiomyopathy 8. Identifiers: MedGen C1843896, MONDO:0011831, OMIM 607450.
Arrhythmogenic cardiomyopathy with wooly hair and keratoderma. Also called: PALMOPLANTAR KERATODERMA WITH LEFT VENTRICULAR CARDIOMYOPATHY AND WOOLLY HAIR; Carvajal syndrome; Dilated cardiomyopathy with woolly hair and keratoderma; Arrhythmogenic cardiomyopathy with woolly hair and keratoderma. Identifiers: Orphanet 65282, MedGen C1854063, MONDO:0011581, OMIM 605676.

Submissions (2):

Labcorp Genetics (formerly Invitae), Labcorp
Classification: Pathogenic for Arrhythmogenic cardiomyopathy with wooly hair and keratoderma; Arrhythmogenic right ventricular dysplasia 8. Last evaluated: 2024-08-06. Review status: criteria provided, single submitter. Criteria: Invitae Variant Classification Sherloc (09022015). Collection method: clinical testing. Allele origin: germline.
Comment: This sequence change creates a premature translational stop signal (p.Gln68*) in the DSP gene. It is expected to result in an absent or disrupted protein product. Loss-of-function variants in DSP are known to be pathogenic (PMID: 20716751, 24503780, 25227139). This variant is not present in population databases (gnomAD no frequency). This variant has not been reported in the literature in individuals affected with DSP-related conditions. For these reasons, this variant has been classified as Pathogenic.

All of Us Research Program, National Institutes of Health
Classification: Likely pathogenic for Arrhythmogenic cardiomyopathy with wooly hair and keratoderma. Last evaluated: 2023-11-02. Review status: criteria provided, single submitter. Criteria: ACMG Guidelines, 2015. Collection method: clinical testing. Allele origin: germline. Inheritance: Autosomal dominant inheritance. Observed: 1 variant allele, 1 heterozygote.
Comment: This variant changes 1 nucleotide in exon 2 of the DSP gene and is expected to introduce a premature translation stop signal at codon 68. The mutant transcript may undergo nonsense-mediated mRNA decay, resulting in an absent or non-functional protein product. There are multiple in-frame methionines in exons 2 and 3 prior to a known functional domain, and it is unknown if any of these methionines may serve as alternate translation initiation site, thereby potentially mitigating the effect of this p.Gln68* variant. To our knowledge, functional studies have not been reported for this variant. This variant has not been reported in individuals affected with DSP-related disorders in the literature. This variant has not been identified in the general population by the Genome Aggregation Database (gnomAD). Loss of DSP function is a known mechanism of disease. Based on the available evidence, this variant is classified as Likely Pathogenic.

This study involves interpretation of variants in research participants for the purpose of population health screening. Participant phenotype was not available at the time of variant classification. Additional details can be found in publication PMID: 35346344, PMCID: PMC8962531

Literature cited by the submitters: PubMed 20716751 (cited by Labcorp Genetics (formerly Invitae), Labcorp); PubMed 24503780 (cited by Labcorp Genetics (formerly Invitae), Labcorp); PubMed 25227139 (cited by Labcorp Genetics (formerly Invitae), Labcorp).